The following is an entry in ClinVar:

ClinVar aggregate classification (germline): Uncertain significance (1 of 4 stars; one submission).

Submission:

GeneDx
Classification: Uncertain significance. Last evaluated: 2024-10-04. Review status: criteria provided, single submitter. Criteria: GeneDx Variant Classification Process June 2021. Collection method: clinical testing. Allele origin: germline. Affected: yes.
Comment: Not observed at significant frequency in large population cohorts (gnomAD); In silico analysis supports that this missense variant has a deleterious effect on protein structure/function; Has not been previously published as pathogenic or benign to our knowledge

NM_173689.7(CRB2):c.410G>A (p.Gly137Asp)

Gene: CRB2 (crumbs cell polarity complex component 2; plus strand). Cytogenetic location: 9q33.3.
Variant type: single nucleotide variant.
Coding change: c.410G>A on transcript NM_173689.7 (MANE Select); coding-DNA position 410, G replaced by A.
Protein change: p.Gly137Asp; replaces glycine 137 with aspartic acid.
Molecular consequence: missense variant.
Genome position (GRCh38, 1-based): chr9:123,363,180, G>A. VCF-style: chr9-123363180-G-A. GRCh37 (hg19) VCF-style: chr9-126125459-G-A.
Other names: short protein forms G137D.
Identifiers: ClinVar variation 3776578 (VCV003776578.1).
Genomic context (GRCh38, chr9:123,363,180, plus strand): 5'-GCCACCATGGGGCCACCTGCCGCAACCTGGCCGATCGCTACGAGTGCCATTGCCCCCTTG[G>A]CTATGCAGGTAACAGCCTGGGCCGCCCTGGGAGGAGGTCTGTAATGCAGATCGCATCAGC-3'
Protein context (NP_775960.4, residues 127-147): ADRYECHCPL[Gly137Asp]YAGVTCEMEV